The following is an entry in ClinVar:

ClinVar aggregate classification (germline): Uncertain significance. Review status: criteria provided, multiple submitters, no conflicts (2 of 4 stars). 2 submissions from 2 submitters: Uncertain significance (2). Last evaluated 2025-03-27.

Conditions:
Hereditary cancer-predisposing syndrome. Also called: Tumor predisposition; Neoplastic Syndromes, Hereditary; Hereditary neoplastic syndrome; Hereditary Cancer Syndrome. Identifiers: Orphanet 140162, MedGen C0027672, MeSH D009386, MONDO:0015356.
Familial cancer of breast. Also called: Hereditary breast cancer; hereditary breast carcinoma; BREAST CANCER, FAMILIAL. Identifiers: Orphanet 227535, MedGen C0346153, MONDO:0016419, OMIM 114480. Disease mechanism: loss of function.

Submissions (2):

Labcorp Genetics (formerly Invitae), Labcorp
Classification: Uncertain significance for Familial cancer of breast. Last evaluated: 2025-03-27. Review status: criteria provided, single submitter. Criteria: Invitae Variant Classification Sherloc (09022015). Collection method: clinical testing. Allele origin: germline.
Comment: This sequence change replaces lysine, which is basic and polar, with methionine, which is neutral and non-polar, at codon 628 of the PALB2 protein (p.Lys628Met). This variant is not present in population databases (gnomAD no frequency). This variant has not been reported in the literature in individuals affected with PALB2-related conditions. ClinVar contains an entry for this variant (Variation ID: 1513418). Invitae Evidence Modeling of protein sequence and biophysical properties (such as structural, functional, and spatial information, amino acid conservation, physicochemical variation, residue mobility, and thermodynamic stability) indicates that this missense variant is expected to disrupt PALB2 protein function with a positive predictive value of 80%. In summary, the available evidence is currently insufficient to determine the role of this variant in disease. Therefore, it has been classified as a Variant of Uncertain Significance.

Ambry Genetics
Classification: Uncertain significance for Hereditary cancer-predisposing syndrome. Last evaluated: 2025-02-22. Review status: criteria provided, single submitter. Criteria: Ambry Variant Classification Scheme 2023. Collection method: clinical testing. Allele origin: germline.
Comment: The p.K628M variant (also known as c.1883A>T), located in coding exon 5 of the PALB2 gene, results from an A to T substitution at nucleotide position 1883. The lysine at codon 628 is replaced by methionine, an amino acid with similar properties. This amino acid position is well conserved in available vertebrate species. In addition, this alteration is predicted to be tolerated by in silico analysis. Since supporting evidence is limited at this time, the clinical significance of this alteration remains unclear.

NM_024675.4(PALB2):c.1883A>T (p.Lys628Met)

Gene: PALB2 (partner and localizer of BRCA2; minus strand). Cytogenetic location: 16p12.2.
Variant type: single nucleotide variant.
Coding change: c.1883A>T on transcript NM_024675.4 (MANE Select); coding-DNA position 1883, A replaced by T.
Protein change: p.Lys628Met; replaces lysine 628 with methionine.
Molecular consequence: missense variant.
Genome position (GRCh38, 1-based): chr16:23,630,271, T>A on the plus strand (A>T on the coding strand, the complement: PALB2 is on the minus strand). VCF-style: chr16-23630271-T-A. GRCh37 (hg19) VCF-style: chr16-23641592-T-A.
Other names: short protein forms K628M.
Identifiers: ClinVar variation 1513418 (VCV001513418.12), dbSNP rs954390684, ClinGen allele CA395127642.